The following is an entry in ClinVar:

ClinVar aggregate classification (germline): Likely benign. Review status: criteria provided, multiple submitters, no conflicts (2 of 4 stars). 3 submissions from 3 submitters: Likely benign (3). Last evaluated 2025-04-21.

Conditions:
Developmental and epileptic encephalopathy, 31A. Also called: Epileptic encephalopathy, early infantile, 31; Developmental and epileptic encephalopathy, 31. Identifiers: Orphanet 2382, MedGen C4225357, MONDO:0014598, OMIM 616346.

Allele frequency attached by ClinVar (database versions not stated): gnomAD 0.00001; ExAC 0.00002; gnomAD exomes 0.00002 and 0.00004; TOPMed 0.00002.
gnomAD v4.1: 54 of 1,613,928 alleles (0.0033%); highest among the groups gnomAD compares: Non-Finnish European, 0.0043%; no homozygotes.

Submissions (3):

Labcorp Genetics (formerly Invitae), Labcorp
Classification: Likely benign for Developmental and epileptic encephalopathy, 31A. Last evaluated: 2025-04-21. Review status: criteria provided, single submitter. Criteria: Invitae Variant Classification Sherloc (09022015). Collection method: clinical testing. Allele origin: germline.

Blueprint Genetics
Classification: Likely benign. Last evaluated: 2022-02-22. Review status: criteria provided, single submitter. Criteria: ACMG Guidelines, 2015. Collection method: clinical testing. Allele origin: germline.

GeneDx
Classification: Likely benign. Last evaluated: 2016-11-14. Review status: criteria provided, single submitter. Criteria: GeneDx Variant Classification (06012015). Collection method: clinical testing. Allele origin: germline. Affected: yes.
Comment: This variant is considered likely benign or benign based on one or more of the following criteria: it is a conservative change, it occurs at a poorly conserved position in the protein, it is predicted to be benign by multiple in silico algorithms, and/or has population frequency not consistent with disease.

NM_004408.4(DNM1):c.1743G>A (p.Ser581=)

Gene: DNM1 (dynamin 1; plus strand). Cytogenetic location: 9q34.11.
Variant type: single nucleotide variant.
Coding change: c.1743G>A on transcript NM_004408.4 (MANE Select); coding-DNA position 1743, G replaced by A.
Protein change: p.Ser581=; no amino-acid change (serine 581 retained).
Molecular consequence: synonymous variant.
Genome position (GRCh38, 1-based): chr9:128,246,465, G>A. VCF-style: chr9-128246465-G-A. GRCh37 (hg19) VCF-style: chr9-131008744-G-A.
Other names: c.1743G>A, p.Ser581= (NM_001005336.3, NM_001288737.2, NM_001288738.2 and 1 more transcripts).
Identifiers: ClinVar variation 391003 (VCV000391003.5), dbSNP rs776254391, ClinGen allele CA5258326.